The following is an entry in ClinVar:

ClinVar aggregate classification (germline): Uncertain significance (1 of 4 stars; one submission).

Conditions:
Hereditary cancer-predisposing syndrome. Also called: Tumor predisposition; Hereditary Cancer Syndrome; Neoplastic Syndromes, Hereditary; Hereditary neoplastic syndrome. Identifiers: Orphanet 140162, MedGen C0027672, MeSH D009386, MONDO:0015356.

gnomAD v4.1: 2 of 1,614,212 alleles (0.00012%); highest among the groups gnomAD compares: South Asian, 0.0022%; no homozygotes.

Submission:

Color Diagnostics, LLC DBA Color Health
Classification: Uncertain significance for Hereditary cancer-predisposing syndrome. Last evaluated: 2025-07-09. Review status: criteria provided, single submitter. Criteria: ACMG Guidelines, 2015. Collection method: clinical testing. Allele origin: germline.
Comment: This missense variant replaces glutamine with histidine at codon 2506 of the BRCA2 protein. Computational prediction is inconclusive regarding the impact of this variant on protein structure and function. Splice site prediction tools suggest that this variant may impact RNA splicing (PMID: 30661751). Functional studies have reported that this variant does not impact BRCA2 function in a haploid cell proliferation assay and in sensitivity assays to cisplatin and PARP inhibitor (PMID: 39779848, 39779857). The former study also found that RNA splicing was impacted, although without significantly impairing the protein functional readout (PMID: 39779848). This variant has not been reported in individuals affected with BRCA2-related disorders in the literature. This variant has been identified in 1/251388 chromosomes in the general population by the Genome Aggregation Database (gnomAD). The available evidence is insufficient to determine the role of this variant in disease conclusively. Therefore, this variant is classified as a Variant of Uncertain Significance.

Literature cited by the submitters: PubMed 30661751; PubMed 39779848; PubMed 39779857.

NM_000059.4(BRCA2):c.7518G>T (p.Gln2506His)

Gene: BRCA2 (BRCA2 DNA repair associated; plus strand). Cytogenetic location: 13q13.1.
Variant type: single nucleotide variant.
Coding change: c.7518G>T on transcript NM_000059.4 (MANE Select); coding-DNA position 7518, G replaced by T.
Protein change: p.Gln2506His; replaces glutamine 2506 with histidine.
Molecular consequence: missense variant. On other transcripts: non-coding transcript variant (1).
Genome position (GRCh38, 1-based): chr13:32,356,510, G>T. VCF-style: chr13-32356510-G-T. GRCh37 (hg19) VCF-style: chr13-32930647-G-T.
Other names: c.7422G>T, p.Gln2474His (NM_001406719.1); c.7518G>T, p.Gln2506His (NM_001406720.1, NM_001432077.1); c.2586G>T, p.Gln862His (NM_001406721.1); c.1101G>T, p.Gln367His (NM_001406722.1); short protein forms Q2474H, Q2506H, Q367H, Q862H.
Identifiers: ClinVar variation 4757231 (VCV004757231.1).